The following is an entry in ClinVar:

ClinVar aggregate classification (germline): Benign. Review status: criteria provided, multiple submitters, no conflicts (2 of 4 stars). 14 submissions from 12 submitters: Benign (11). 3 of the submissions do not count toward it. Last evaluated 2026-02-04.

Conditions:
Autosomal dominant familial hematuria-retinal arteriolar tortuosity-contractures syndrome. Also called: Angiopathy, hereditary, with nephropathy, aneurysms, and muscle cramps; Hereditary Angiopathy with Nephropathy, Aneurysms, and Muscle Cramps (HANAC) Syndrome. Identifiers: Orphanet 73229, MedGen C2673195, MONDO:0012726, OMIM 611773.
Brain small vessel disease 1 with or without ocular anomalies (BSVD1). Also called: BRAIN SMALL VESSEL DISEASE WITH HEMORRHAGE; PORENCEPHALY, TYPE 1, AUTOSOMAL DOMINANT; GOULD SYNDROME 1; Brain small vessel disease with or without ocular anomalies. Identifiers: Orphanet 2940, Orphanet 36383, Orphanet 99810, MedGen C4755307, MONDO:0008289, OMIM 175780.

Allele frequency attached by ClinVar (database versions not stated): gnomAD 0.63996 and 0.64464; TOPMed 0.64121; 1000 Genomes Project 30x 0.65319; 1000 Genomes Project 0.65535; gnomAD exomes 0.66589 and 0.68043; ESP Exome Variant Server 0.62679; ExAC 0.67276.
gnomAD v4.1: 1,063,112 of 1,601,826 alleles (66%); highest among the groups gnomAD compares: Admixed American, 78%; 355,308 homozygotes.

Submissions (14):

Labcorp Genetics (formerly Invitae), Labcorp
Classification: Benign. Last evaluated: 2026-02-04. Review status: criteria provided, single submitter. Criteria: Invitae Variant Classification Sherloc (09022015). Collection method: clinical testing. Allele origin: germline.

Blueprint Genetics
Classification: Benign. Last evaluated: 2024-11-27. Review status: criteria provided, single submitter. Criteria: ACMG Guidelines, 2015. Collection method: clinical testing. Allele origin: germline.

Mayo Clinic Laboratories, Mayo Clinic
Classification: Benign. Last evaluated: 2022-04-26. Review status: criteria provided, single submitter. Criteria: ACMG Guidelines, 2015. Collection method: clinical testing. Allele origin: germline. Observed: 1,019 variant alleles.

Genome-Nilou Lab
Classification: Benign for Autosomal dominant familial hematuria-retinal arteriolar tortuosity-contractures syndrome. Last evaluated: 2021-07-22. Review status: criteria provided, single submitter. Criteria: ACMG Guidelines, 2015. Collection method: clinical testing. Allele origin: germline. Affected: no.

Genome-Nilou Lab
Classification: Benign for Brain small vessel disease 1 with or without ocular anomalies. Last evaluated: 2021-07-22. Review status: criteria provided, single submitter. Criteria: ACMG Guidelines, 2015. Collection method: clinical testing. Allele origin: germline. Affected: no.

Athena Diagnostics
Classification: Benign. Last evaluated: 2021-06-02. Review status: criteria provided, single submitter. Criteria: Athena Diagnostics criteria. Collection method: clinical testing. Allele origin: unknown.

Illumina Laboratory Services, Illumina
Classification: Benign for Brain small vessel disease 1 with or without ocular anomalies. Last evaluated: 2018-01-12. Review status: criteria provided, single submitter. Criteria: ICSL Variant Classification Criteria 13 December 2019. Collection method: clinical testing. Allele origin: germline.
Comment: This variant was observed in the ICSL laboratory as part of a predisposition screen in an ostensibly healthy population. It had not been previously curated by ICSL or reported in the Human Gene Mutation Database (HGMD: prior to June 1st, 2018), and was therefore a candidate for classification through an automated scoring system. Utilizing variant allele frequency, disease prevalence and penetrance estimates, and inheritance mode, an automated score was calculated to assess if this variant is too frequent to cause the disease. Based on the score and internal cut-off values, a variant classified as benign is not then subjected to further curation. The score for this variant resulted in a classification of benign for this disease.

Illumina Laboratory Services, Illumina
Classification: Benign for Autosomal dominant familial hematuria-retinal arteriolar tortuosity-contractures syndrome. Last evaluated: 2018-01-12. Review status: criteria provided, single submitter. Criteria: ICSL Variant Classification Criteria 13 December 2019. Collection method: clinical testing. Allele origin: germline.
Comment: the same text as in the submission from Illumina Laboratory Services, Illumina above.

GeneDx
Classification: Benign. Last evaluated: 2017-11-14. Review status: criteria provided, single submitter. Criteria: GeneDx Variant Classification (06012015). Collection method: clinical testing. Allele origin: germline. Affected: yes.
Comment: This variant is considered likely benign or benign based on one or more of the following criteria: it is a conservative change, it occurs at a poorly conserved position in the protein, it is predicted to be benign by multiple in silico algorithms, and/or has population frequency not consistent with disease.

Breakthrough Genomics
Classification: Benign. Review status: criteria provided, single submitter. Criteria: ACMG Guidelines, 2015. Collection method: not provided. Allele origin: germline. Inheritance: Autosomal dominant inheritance. Affected: yes.

PreventionGenetics, part of Exact Sciences
Classification: Benign. Review status: criteria provided, single submitter. Criteria: ACMG Guidelines, 2015. Collection method: clinical testing. Allele origin: germline.

Clinical Genetics DNA and cytogenetics Diagnostics Lab, Erasmus MC, Erasmus Medical Center
Classification: Benign. Review status: no assertion criteria provided. Collection method: clinical testing. Allele origin: germline. Affected: yes. Study: VKGL Data-share Consensus. Not counted in ClinVar's aggregate classification.

Diagnostic Laboratory, Department of Genetics, University Medical Center Groningen
Classification: Benign. Review status: no assertion criteria provided. Collection method: clinical testing. Allele origin: germline. Affected: yes. Study: VKGL Data-share Consensus. Not counted in ClinVar's aggregate classification.

Joint Genome Diagnostic Labs from Nijmegen and Maastricht, Radboudumc and MUMC+
Classification: Benign. Review status: no assertion criteria provided. Collection method: clinical testing. Allele origin: germline. Affected: yes. Study: VKGL Data-share Consensus. Not counted in ClinVar's aggregate classification.

NM_001845.6(COL4A1):c.3877-9C>T

Gene: COL4A1 (collagen type IV alpha 1 chain; minus strand). Cytogenetic location: 13q34.
Variant type: single nucleotide variant.
Coding change: c.3877-9C>T on transcript NM_001845.6 (MANE Select); 9 bases into the intron before coding-DNA position 3877, C replaced by T.
Molecular consequence: intron variant.
Genome position (GRCh38, 1-based): chr13:110,167,239, G>A on the plus strand (C>T on the coding strand, the complement: COL4A1 is on the minus strand). VCF-style: chr13-110167239-G-A. GRCh37 (hg19) VCF-style: chr13-110819586-G-A.
Other names: p.?.
Identifiers: ClinVar variation 258253 (VCV000258253.31), dbSNP rs589985, ClinGen allele CA7047105.